The following is an entry in ClinVar:

ClinVar aggregate classification (germline): Uncertain significance. Review status: criteria provided, multiple submitters, no conflicts (2 of 4 stars). 4 submissions from 4 submitters: Uncertain significance (4). Last evaluated 2023-12-05.

Conditions:
Hereditary cancer-predisposing syndrome. Also called: Hereditary neoplastic syndrome; Neoplastic Syndromes, Hereditary; Hereditary Cancer Syndrome; Tumor predisposition. Identifiers: Orphanet 140162, MedGen C0027672, MeSH D009386, MONDO:0015356.
Familial cancer of breast. Also called: BREAST CANCER, FAMILIAL; Hereditary breast cancer; hereditary breast carcinoma. Identifiers: Orphanet 227535, MedGen C0346153, MONDO:0016419, OMIM 114480. Disease mechanism: loss of function.

Allele frequency attached by ClinVar (database versions not stated): gnomAD exomes below 0.00001.
gnomAD v4.1: 2 of 1,575,064 alleles (0.00013%); highest among the groups gnomAD compares: Non-Finnish European, 0.00017%; no homozygotes.

Submissions (4):

Color Diagnostics, LLC DBA Color Health
Classification: Uncertain significance for Hereditary cancer-predisposing syndrome. Last evaluated: 2023-12-05. Review status: criteria provided, single submitter. Criteria: ACMG Guidelines, 2015. Collection method: clinical testing. Allele origin: germline.
Comment: This missense variant replaces serine with isoleucine at codon 251 of the BARD1 protein. Computational prediction suggests that this variant may not impact protein structure and function (internally defined REVEL score threshold <= 0.5, PMID: 27666373). To our knowledge, functional studies have not been reported for this variant. This variant has not been reported in individuals affected with BARD1-related disorders in the literature. This variant has not been identified in the general population by the Genome Aggregation Database (gnomAD). The available evidence is insufficient to determine the role of this variant in disease conclusively. Therefore, this variant is classified as a Variant of Uncertain Significance.

Labcorp Genetics (formerly Invitae), Labcorp
Classification: Uncertain significance for Familial cancer of breast. Last evaluated: 2022-12-14. Review status: criteria provided, single submitter. Criteria: Invitae Variant Classification Sherloc (09022015). Collection method: clinical testing. Allele origin: germline.
Comment: This variant has not been reported in the literature in individuals affected with BARD1-related conditions. ClinVar contains an entry for this variant (Variation ID: 530107). Algorithms developed to predict the effect of missense changes on protein structure and function are either unavailable or do not agree on the potential impact of this missense change (SIFT: "Tolerated"; PolyPhen-2: "Possibly Damaging"; Align-GVGD: "Class C0"). In summary, the available evidence is currently insufficient to determine the role of this variant in disease. Therefore, it has been classified as a Variant of Uncertain Significance. This variant is not present in population databases (gnomAD no frequency). This sequence change replaces serine, which is neutral and polar, with isoleucine, which is neutral and non-polar, at codon 251 of the BARD1 protein (p.Ser251Ile).

Quest Diagnostics Nichols Institute San Juan Capistrano
Classification: Uncertain significance. Last evaluated: 2022-11-11. Review status: criteria provided, single submitter. Criteria: Quest Diagnostics criteria. Collection method: clinical testing. Allele origin: unknown.
Comment: The variant has not been reported in the published literature. It also has not been reported in large, multi-ethnic general populations. Analysis of this variant using bioinformatics tools for the prediction of the effect of amino acid changes on protein structure and function yielded predictions that this variant is benign. Additional analysis using software algorithms for the prediction of the effect of nucleotide changes on BARD1 mRNA splicing yielded predictions that this variant may result in the gain of a cryptic splice site without affecting the natural splice sites . Based on the available information, we are unable to determine the clinical significance of this variant.

Ambry Genetics
Classification: Uncertain significance for Hereditary cancer-predisposing syndrome. Last evaluated: 2022-05-10. Review status: criteria provided, single submitter. Criteria: Ambry Variant Classification Scheme 2023. Collection method: clinical testing. Allele origin: germline.
Comment: The p.S251I variant (also known as c.752G>T), located in coding exon 4 of the BARD1 gene, results from a G to T substitution at nucleotide position 752. The serine at codon 251 is replaced by isoleucine, an amino acid with dissimilar properties. This amino acid position is not well conserved in available vertebrate species. In addition, this alteration is predicted to be tolerated by in silico analysis. Since supporting evidence is limited at this time, the clinical significance of this alteration remains unclear.

NM_000465.4(BARD1):c.752G>T (p.Ser251Ile)

Gene: BARD1 (BRCA1 associated RING domain 1; minus strand). Cytogenetic location: 2q35.
Variant type: single nucleotide variant.
Coding change: c.752G>T on transcript NM_000465.4 (MANE Select); coding-DNA position 752, G replaced by T.
Protein change: p.Ser251Ile; replaces serine 251 with isoleucine.
Molecular consequence: missense variant. On other transcripts: non-coding transcript variant (2), intron variant (3).
Genome position (GRCh38, 1-based): chr2:214,781,122, C>A on the plus strand (G>T on the coding strand, the complement: BARD1 is on the minus strand). VCF-style: chr2-214781122-C-A. GRCh37 (hg19) VCF-style: chr2-215645846-C-A.
Other names: c.695G>T, p.Ser232Ile (NM_001282543.2); c.158+28290G>T (NM_001282548.2); c.215+15939G>T (NM_001282545.2); c.364+11175G>T (NM_001282549.2); short protein forms S251I, S232I.
Identifiers: ClinVar variation 530107 (VCV000530107.19), dbSNP rs1553622477, ClinGen allele CA350456056.